The following is an entry in ClinVar:

NM_001377137.1(GBF1):c.556G>C (p.Val186Leu)

Gene: GBF1 (golgi brefeldin A resistant guanine nucleotide exchange factor 1; plus strand). Cytogenetic location: 10q24.32.
Variant type: single nucleotide variant.
Coding change: c.556G>C on transcript NM_001377137.1 (MANE Select); coding-DNA position 556, G replaced by C.
Protein change: p.Val186Leu; replaces valine 186 with leucine.
Molecular consequence: missense variant. On other transcripts: non-coding transcript variant (4).
Genome position (GRCh38, 1-based): chr10:102,352,490, G>C. VCF-style: chr10-102352490-G-C. GRCh37 (hg19) VCF-style: chr10-104112247-G-C.
Other names: c.556G>C (NM_004193.2); c.556G>C, p.Val186Leu (NM_001377139.1, NM_001377140.1, NM_001377141.1 and 16 more transcripts); short protein forms V186L.
Identifiers: ClinVar variation 3236643 (VCV003236643.2), dbSNP rs376175528, ClinGen allele CA5663028.

ClinVar aggregate classification (germline): Uncertain significance. Review status: criteria provided, multiple submitters, no conflicts (2 of 4 stars). 2 submissions from 2 submitters: Uncertain significance (2). Last evaluated 2025-09-24.

Conditions:
Charcot-Marie-Tooth Disease, axonal, type 2GG (CMT2GG). Also called: Charcot-Marie-Tooth disease dominant intermediate II; Charcot-Marie-Tooth neuropathy, type 2GG; Charcot-Marie-Tooth neuropathy, axonal, type 2GG. Identifiers: Orphanet 100043, MedGen C5561933, MONDO:0011675, OMIM 606483.
Charcot-Marie-Tooth disease, dominant intermediate A (CMTDIA). Also called: CHARCOT-MARIE-TOOTH NEUROPATHY, DOMINANT INTERMEDIATE A. Identifiers: MedGen C1847896, MONDO:0957273, OMIM 620378.

Allele frequency attached by ClinVar (database versions not stated): ESP Exome Variant Server 0.00008.
gnomAD v4.1: 21 of 1,611,838 alleles (0.0013%); highest among the groups gnomAD compares: East Asian, 0.0022%; no homozygotes.

Submissions (2):

Ambry Genetics
Classification: Uncertain significance. Last evaluated: 2025-09-24. Review status: criteria provided, single submitter. Criteria: Ambry Variant Classification Scheme 2023. Collection method: clinical testing. Allele origin: germline.

Clinical Genomics Laboratory, Washington University in St. Louis
Classification: Uncertain significance for Charcot-Marie-Tooth Disease, axonal, type 2GG; Charcot-Marie-Tooth disease, dominant intermediate A. Last evaluated: 2024-01-04. Review status: criteria provided, single submitter. Criteria: ACMG Guidelines, 2015. Collection method: clinical testing. Allele origin: germline.
Comment: The GBF1 c.556G>C (p.Val186Leu) variant, to our knowledge, has not been reported in the medical literature or the ClinVar database. This variant is only observed on two out of 251,334 alleles in the general population (gnomAD v.2.1.1), indicating it is not a common variant. Computational predictors are uncertain as to the impact of this variant on GBF1 function. Due to limited information, and based on ACMG/AMP guidelines for variant interpretation (Richards S et al., PMID: 25741868), the clinical significance of this variant is uncertain at this time.